The following is an entry in ClinVar:

ClinVar aggregate classification (germline): Uncertain significance. Review status: criteria provided, multiple submitters, no conflicts (2 of 4 stars). 4 submissions from 4 submitters: Uncertain significance (4). Last evaluated 2025-10-18.

Conditions:
Hyperkalemic periodic paralysis. Also called: Familial hyperkalemic periodic paralysis; Gamstorp disease. Identifiers: Orphanet 682, MedGen C0238357, MONDO:0008224, OMIM 170500, HP:0007215.
Congenital myasthenic syndrome 16. Identifiers: Orphanet 590, MedGen C3280112, MONDO:0013620, OMIM 614198.
Paramyotonia congenita of Von Eulenburg. Also called: Myotonia congenita intermittens; Von Eulenburg paramyotonia congenita; Paramyotonia Congenita; PARALYSIS PERIODICA PARAMYOTONICA; Eulenburg disease. Identifiers: Orphanet 684, MedGen C0221055, MONDO:0008195, OMIM 168300. Disease mechanism: loss of function.
Congenital myopathy 22A, classic (CMYO22A). Identifiers: MedGen C5830453, MONDO:0957247, OMIM 620351.
Congenital myopathy 22B, severe fetal (CMYO22B). Identifiers: MedGen C5830501, MONDO:0957265, OMIM 620369.
Hypokalemic periodic paralysis, type 2 (HOKPP2). Identifiers: Orphanet 681, MedGen C2750061, MONDO:0013234, OMIM 613345.
Potassium-aggravated myotonia. Also called: Myotonia congenita, atypical, acetazolamide-responsive; MYOTONIA CONGENITA, ACETAZOLAMIDE-RESPONSIVE; MYOTONIA CONGENITA, ATYPICAL; SODIUM CHANNEL MUSCLE DISEASE. Identifiers: Orphanet 612, Orphanet 99734, Orphanet 99735, Orphanet 99736, MedGen C2931826, MONDO:0018959, OMIM 608390.
Hypokalemic periodic paralysis, type 1. Also called: Hypokalemic Periodic Paralysis Type 1 (AD); HypoPP. Identifiers: Orphanet 681, MedGen C3714580, MONDO:0042979, OMIM 170400.

Allele frequency attached by ClinVar (database versions not stated): TOPMed 0.00011; 1000 Genomes Project 30x 0.00078; 1000 Genomes Project 0.00060; gnomAD 0.00011 and 0.00012; gnomAD exomes 0.00007; ExAC 0.00013; ESP Exome Variant Server 0.00015.
gnomAD v4.1: 55 of 1,600,582 alleles (0.0034%); highest among the groups gnomAD compares: African/African-American, 0.035%; no homozygotes.

Submissions (4):

Labcorp Genetics (formerly Invitae), Labcorp
Classification: Uncertain significance for Hyperkalemic periodic paralysis. Last evaluated: 2025-10-18. Review status: criteria provided, single submitter. Criteria: Invitae Variant Classification Sherloc (09022015). Collection method: clinical testing. Allele origin: germline.
Comment: This sequence change replaces threonine, which is neutral and polar, with methionine, which is neutral and non-polar, at codon 1445 of the SCN4A protein (p.Thr1445Met). This variant is present in population databases (rs200481981, gnomAD 0.05%). This variant has not been reported in the literature in individuals affected with SCN4A-related conditions. ClinVar contains an entry for this variant (Variation ID: 580039). Invitae Evidence Modeling of protein sequence and biophysical properties (such as structural, functional, and spatial information, amino acid conservation, physicochemical variation, residue mobility, and thermodynamic stability) indicates that this missense variant is expected to disrupt SCN4A protein function with a positive predictive value of 95%. In summary, the available evidence is currently insufficient to determine the role of this variant in disease. Therefore, it has been classified as a Variant of Uncertain Significance.

GeneDx
Classification: Uncertain significance. Last evaluated: 2024-09-04. Review status: criteria provided, single submitter. Criteria: GeneDx Variant Classification Process June 2021. Collection method: clinical testing. Allele origin: germline. Affected: yes.
Comment: In silico analysis supports that this missense variant has a deleterious effect on protein structure/function; Has not been previously published as pathogenic or benign to our knowledge

Fulgent Genetics
Classification: Uncertain significance for Paramyotonia congenita of Von Eulenburg; Hypokalemic periodic paralysis, type 1; Hyperkalemic periodic paralysis; Potassium-aggravated myotonia; Hypokalemic periodic paralysis, type 2; Congenital myasthenic syndrome 16. Last evaluated: 2022-04-08. Review status: criteria provided, single submitter. Criteria: ACMG Guidelines, 2015. Collection method: clinical testing. Allele origin: unknown.

Juno Genomics, Hangzhou Juno Genomics, Inc
Classification: Uncertain significance for Congenital myopathy 22A, classic; Congenital myopathy 22B, severe fetal; Hyperkalemic periodic paralysis; Hypokalemic periodic paralysis, type 2; Congenital myasthenic syndrome 16; Potassium-aggravated myotonia; Paramyotonia congenita of Von Eulenburg. Review status: criteria provided, single submitter. Criteria: ACMG Guidelines, 2015. Collection method: clinical testing. Allele origin: germline.
Comment: Absent from controls (or at extremely low frequency if recessive) in Genome Aggregation Database.;Multiple lines of computational evidence support a deleterious effect on the gene or gene product.

NM_000334.4(SCN4A):c.4334C>T (p.Thr1445Met)

Genes: GH-LCR (growth hormone locus control region; plus strand), SCN4A (sodium voltage-gated channel alpha subunit 4; minus strand). Cytogenetic location: 17q23.3.
Variant type: single nucleotide variant.
Coding change: c.4334C>T on transcript NM_000334.4 (MANE Select); coding-DNA position 4334, C replaced by T.
Protein change: p.Thr1445Met; replaces threonine 1445 with methionine.
Molecular consequence: missense variant.
Genome position (GRCh38, 1-based): chr17:63,941,948, G>A on the plus strand (C>T on the coding strand, the complement: SCN4A is on the minus strand). VCF-style: chr17-63941948-G-A. GRCh37 (hg19) VCF-style: chr17-62019308-G-A.
Other names: short protein forms T1445M.
Identifiers: ClinVar variation 580039 (VCV000580039.15), dbSNP rs200481981, ClinGen allele CA8708992.
Genomic context (GRCh38, chr17:63,941,948, plus strand): 5'-GCCCCGCGGATCAGCCGCAGGACACGCCCAATCCGCGCCAGGCGGATCACACGGAACAGC[G>A]TGGGTGACACGAAGTACTTCTGGATCAGGTCAGAGAGGGCAAGGCCTGCGGGGAGAAGCT-3'
Protein context (NP_000325.4, residues 1435-1455): DLIQKYFVSP[Thr1445Met]LFRVIRLARI